The following is an entry in ClinVar:

ClinVar aggregate classification (germline): Pathogenic/Likely pathogenic. Review status: criteria provided, multiple submitters, no conflicts (2 of 4 stars). 3 submissions from 3 submitters: Pathogenic (2); Likely pathogenic (1). Last evaluated 2026-03-13.

Conditions:
Hereditary cancer-predisposing syndrome. Also called: Tumor predisposition; Neoplastic Syndromes, Hereditary; Hereditary Cancer Syndrome; Hereditary neoplastic syndrome. Identifiers: Orphanet 140162, MedGen C0027672, MeSH D009386, MONDO:0015356.
DICER1-related disorder. Also called: DICER1-related condition.

Submissions (3):

GeneDx
Classification: Likely pathogenic. Last evaluated: 2026-03-13. Review status: criteria provided, single submitter. Criteria: GeneDx Variant Classification Process June 2021. Collection method: clinical testing. Allele origin: germline.
Comment: Nonsense variant predicted to result in protein truncation or nonsense mediated decay in a gene for which loss of function is a known mechanism of disease; Not observed at significant frequency in large population cohorts (gnomAD); Has not been previously published as pathogenic or benign to our knowledge

PreventionGenetics, part of Exact Sciences
Classification: Pathogenic for DICER1-related condition. Last evaluated: 2026-02-24. Review status: criteria provided, single submitter. Criteria: ACMG Guidelines, 2015. Collection method: clinical testing. Allele origin: germline.
Comment: The DICER1 c.3968T>A variant is predicted to result in premature protein termination (p.Leu1323*). To our knowledge, this variant has not been reported in the literature or in a large population database (gnomAD), indicating this variant is rare. This variant is interpreted as pathogenic in ClinVar (Variation ID: 3229398). Nonsense variants in DICER1 are expected to be pathogenic. This variant is interpreted as pathogenic.

Ambry Genetics
Classification: Pathogenic for Hereditary cancer-predisposing syndrome. Last evaluated: 2023-12-29. Review status: criteria provided, single submitter. Criteria: Ambry Variant Classification Scheme 2023. Collection method: clinical testing. Allele origin: germline.
Comment: The p.L1323* pathogenic mutation (also known as c.3968T>A), located in coding exon 20 of the DICER1 gene, results from a T to A substitution at nucleotide position 3968. This changes the amino acid from a leucine to a stop codon within coding exon 20. This alteration is expected to result in loss of function by premature protein truncation or nonsense-mediated mRNA decay. As such, this alteration is interpreted as a disease-causing mutation.

NM_177438.3(DICER1):c.3968T>A (p.Leu1323Ter)

Gene: DICER1 (dicer 1, ribonuclease III; minus strand). Cytogenetic location: 14q32.13.
Variant type: single nucleotide variant.
Coding change: c.3968T>A on transcript NM_177438.3 (MANE Select); coding-DNA position 3968, T replaced by A.
Protein change: p.Leu1323Ter; replaces leucine 1323 with a stop codon.
Molecular consequence: nonsense. On other transcripts: non-coding transcript variant (6).
Genome position (GRCh38, 1-based): chr14:95,103,428, A>T on the plus strand (T>A on the coding strand, the complement: DICER1 is on the minus strand). VCF-style: chr14-95103428-A-T. GRCh37 (hg19) VCF-style: chr14-95569765-A-T.
Other names: c.3968T>A, p.Leu1323Ter (NM_001195573.1, NM_001271282.3, NM_001291628.2 and 13 more transcripts); c.3686T>A, p.Leu1229Ter (NM_001395686.1); c.3563T>A, p.Leu1188Ter (NM_001395687.1, NM_001395688.1, NM_001395689.1 and 2 more transcripts); c.3401T>A, p.Leu1134Ter (NM_001395691.1); c.2285T>A, p.Leu762Ter (NM_001395697.1); short protein forms L1134*, L1188*, L1229*, L1323*, L762*.
Identifiers: ClinVar variation 3229398 (VCV003229398.2), dbSNP rs2139955381, ClinGen allele CA390873059.